The following is an entry in ClinVar:

ClinVar aggregate classification (germline): Conflicting classifications of pathogenicity. Review status: criteria provided, conflicting classifications (1 of 4 stars). 2 submissions from 2 submitters: Uncertain significance (1); Likely benign (1). Last evaluated 2024-08-18.

Conditions:
Dextro-looped transposition of the great arteries. Also called: Dextrotransposition of the great arteries. Identifiers: Orphanet 860, MedGen C3531771, MONDO:0019443, OMIM 608808, HP:0031348.
Cardiac anomalies - developmental delay - facial dysmorphism syndrome (MRFACD). Also called: MED13L Syndrome; Impaired intellectual development and distinctive facial features with or without cardiac defects. Identifiers: Orphanet 369891, MedGen C5192431, MONDO:0014773, OMIM 616789.

Allele frequency attached by ClinVar (database versions not stated): gnomAD 0.00001; gnomAD exomes 0.00001; TOPMed 0.00001.
gnomAD v4.1: 9 of 1,613,834 alleles (0.00056%); highest among the groups gnomAD compares: Non-Finnish European, 0.00076%; no homozygotes.

Submissions (2):

Labcorp Genetics (formerly Invitae), Labcorp
Classification: Uncertain significance for Dextro-looped transposition of the great arteries. Last evaluated: 2024-08-18. Review status: criteria provided, single submitter. Criteria: Invitae Variant Classification Sherloc (09022015). Collection method: clinical testing. Allele origin: germline.
Comment: This sequence change replaces threonine, which is neutral and polar, with alanine, which is neutral and non-polar, at codon 358 of the MED13L protein (p.Thr358Ala). This variant is not present in population databases (gnomAD no frequency). This variant has not been reported in the literature in individuals affected with MED13L-related conditions. ClinVar contains an entry for this variant (Variation ID: 1805438). Invitae Evidence Modeling of protein sequence and biophysical properties (such as structural, functional, and spatial information, amino acid conservation, physicochemical variation, residue mobility, and thermodynamic stability) indicates that this missense variant is not expected to disrupt MED13L protein function with a negative predictive value of 80%. In summary, the available evidence is currently insufficient to determine the role of this variant in disease. Therefore, it has been classified as a Variant of Uncertain Significance.

Victorian Clinical Genetics Services, Murdoch Childrens Research Institute
Classification: Likely benign for Cardiac anomalies - developmental delay - facial dysmorphism syndrome. Last evaluated: 2022-03-31. Review status: criteria provided, single submitter. Criteria: ACMG Guidelines, 2015. Collection method: clinical testing. Allele origin: germline. Inheritance: Autosomal dominant inheritance. Affected: yes.
Comment: Based on the classification scheme VCGS_Germline_v1.3.4, this variant is classified as likely benign. Following criteria are met: 0102 - Loss of function is a known mechanism of disease in this gene and is associated with MED13L-related neurodevelopmental disorder (MIM#616789). (I) 0107 - This gene is associated with autosomal dominant disease. (I) 0200 - Variant is predicted to result in a missense amino acid change from threonine to alanine. (I) 0251 - This variant is heterozygous. (I) 0302 - Variant is present in gnomAD (v3) <0.001 for a dominant condition (2 heterozygotes, 0 homozygotes). (SP) 0309 - An alternative amino acid change at the same position has been observed in gnomAD (v2) (10 heterozygotes, 0 homozygotes). (I) 0503 - Missense variant consistently predicted to be tolerated by multiple in silico tools or not conserved in placental mammals with a minor amino acid change. (SB) 0604 - Variant is not located in an established domain, motif, hotspot or informative constraint region. (I) 0705 - No comparable missense variants have previous evidence for pathogenicity. (I) 0807 - This variant has no previous evidence of pathogenicity. (I) 0904 - Non-segregation of this variant with the phenotype under investigation has been clearly demonstrated. (SB) 1007 - No published functional evidence has been identified for this variant. (I) Legend: (SP) - Supporting pathogenic, (I) - Information, (SB) - Supporting benign

NM_015335.5(MED13L):c.1072A>G (p.Thr358Ala)

Gene: MED13L (mediator complex subunit 13L; minus strand). Cytogenetic location: 12q24.21.
Variant type: single nucleotide variant.
Coding change: c.1072A>G on transcript NM_015335.5 (MANE Select); coding-DNA position 1072, A replaced by G.
Protein change: p.Thr358Ala; replaces threonine 358 with alanine.
Molecular consequence: missense variant.
Genome position (GRCh38, 1-based): chr12:116,015,212, T>C on the plus strand (A>G on the coding strand, the complement: MED13L is on the minus strand). VCF-style: chr12-116015212-T-C. GRCh37 (hg19) VCF-style: chr12-116453017-T-C.
Other names: short protein forms T358A.
Identifiers: ClinVar variation 1805438 (VCV001805438.3), dbSNP rs1193527567, ClinGen allele CA386898639.